The following is an entry in ClinVar:

ClinVar aggregate classification (germline): Uncertain significance (1 of 4 stars; one submission).

Submission:

Labcorp Genetics (formerly Invitae), Labcorp
Classification: Uncertain significance. Last evaluated: 2022-10-13. Review status: criteria provided, single submitter. Criteria: Invitae Variant Classification Sherloc (09022015). Collection method: clinical testing. Allele origin: germline.
Comment: This variant has not been reported in the literature in individuals affected with MRAS-related conditions. This variant is not present in population databases (gnomAD no frequency). This sequence change replaces leucine, which is neutral and non-polar, with phenylalanine, which is neutral and non-polar, at codon 29 of the MRAS protein (p.Leu29Phe). In summary, the available evidence is currently insufficient to determine the role of this variant in disease. Therefore, it has been classified as a Variant of Uncertain Significance. Algorithms developed to predict the effect of missense changes on protein structure and function are either unavailable or do not agree on the potential impact of this missense change (SIFT: "Deleterious"; PolyPhen-2: "Probably Damaging"; Align-GVGD: "Class C0").

NM_001085049.3(MRAS):c.85C>T (p.Leu29Phe)

Gene: MRAS (muscle RAS oncogene homolog; plus strand). Cytogenetic location: 3q22.3.
Variant type: single nucleotide variant.
Coding change: c.85C>T on transcript NM_001085049.3 (MANE Select); coding-DNA position 85, C replaced by T.
Protein change: p.Leu29Phe; replaces leucine 29 with phenylalanine.
Molecular consequence: missense variant. On other transcripts: intron variant (3).
Genome position (GRCh38, 1-based): chr3:138,372,968, C>T. VCF-style: chr3-138372968-C-T. GRCh37 (hg19) VCF-style: chr3-138091810-C-T.
Other names: c.85C>T, p.Leu29Phe (NM_001252090.2, NM_012219.4); c.-35-24356C>T (NM_001252091.1); c.-36+24201C>T (NM_001252093.2); c.-36+23936C>T (NM_001252092.2); short protein forms L29F.
Identifiers: ClinVar variation 2092912 (VCV002092912.4), dbSNP rs2474072369, ClinGen allele CA354671785.